The following is an entry in ClinVar:

ClinVar aggregate classification (germline): Uncertain significance. Review status: criteria provided, multiple submitters, no conflicts (2 of 4 stars). 3 submissions from 3 submitters: Uncertain significance (3). Last evaluated 2025-12-15.

Conditions:
Generalized epilepsy-paroxysmal dyskinesia syndrome (PNKD3). Also called: Generalized epilepsy and paroxysmal dyskinesia; Paroxysmal nonkinesigenic dyskinesia, 3, with or without generalized epilepsy. Identifiers: Orphanet 79137, MedGen C5574945, MONDO:0012276, OMIM 609446.
Cerebellar atrophy, developmental delay, and seizures. Identifiers: MedGen C4539985, MONDO:0060551, OMIM 617643.
Liang-Wang syndrome. Identifiers: Orphanet 664438, MedGen C5231479, MONDO:0032886, OMIM 618729.
Inborn genetic diseases. Identifiers: MedGen C0950123, MeSH D030342.

gnomAD v4.1: 2 of 1,614,006 alleles (0.00012%); highest among the groups gnomAD compares: Admixed American, 0.0033%; no homozygotes.

Submissions (3):

Ambry Genetics
Classification: Uncertain significance for Inborn genetic diseases. Last evaluated: 2025-12-15. Review status: criteria provided, single submitter. Criteria: Ambry Variant Classification Scheme 2023. Collection method: clinical testing. Allele origin: germline.
Comment: The c.2373C>A (p.D791E) alteration is located in exon 21 (coding exon 21) of the KCNMA1 gene. This alteration results from a C to A substitution at nucleotide position 2373, causing the aspartic acid (D) at amino acid position 791 to be replaced by a glutamic acid (E). Based on data from gnomAD, the A allele has an overall frequency of <0.001% (1/251124) total alleles studied. The highest observed frequency was 0.003% (1/34584) of Latino alleles. Based on insufficient or conflicting evidence, the clinical significance of this alteration remains unclear.

Labcorp Genetics (formerly Invitae), Labcorp
Classification: Uncertain significance for Generalized epilepsy-paroxysmal dyskinesia syndrome. Last evaluated: 2024-08-05. Review status: criteria provided, single submitter. Criteria: Invitae Variant Classification Sherloc (09022015). Collection method: clinical testing. Allele origin: germline.
Comment: This sequence change replaces aspartic acid, which is acidic and polar, with glutamic acid, which is acidic and polar, at codon 791 of the KCNMA1 protein (p.Asp791Glu). This variant is present in population databases (rs147369374, gnomAD 0.003%). This variant has not been reported in the literature in individuals affected with KCNMA1-related conditions. ClinVar contains an entry for this variant (Variation ID: 1696557). An algorithm developed to predict the effect of missense changes on protein structure and function (PolyPhen-2) suggests that this variant is likely to be disruptive. In summary, the available evidence is currently insufficient to determine the role of this variant in disease. Therefore, it has been classified as a Variant of Uncertain Significance.

New York Genome Center
Classification: Uncertain significance for Liang-Wang syndrome; Cerebellar atrophy, developmental delay, and seizures; Generalized epilepsy-paroxysmal dyskinesia syndrome. Last evaluated: 2021-07-16. Review status: criteria provided, single submitter. Criteria: NYGC Assertion Criteria 2020. Collection method: clinical testing. Allele origin: inherited. Observed: 1 heterozygote. Study: CSER-NYCKidSeq.

NM_001161352.2(KCNMA1):c.2547C>A (p.Asp849Glu)

Genes: KCNMA1 (potassium calcium-activated channel subfamily M alpha 1; minus strand), KCNMA1-AS1 (KCNMA1 antisense RNA 1; plus strand). Cytogenetic location: 10q22.3.
Variant type: single nucleotide variant.
Coding change: c.2547C>A on transcript NM_001161352.2 (MANE Select); coding-DNA position 2547, C replaced by A.
Protein change: p.Asp849Glu; replaces aspartic acid 849 with glutamic acid.
Molecular consequence: missense variant.
Genome position (GRCh38, 1-based): chr10:76,949,304, G>T on the plus strand (C>A on the coding strand, the complement: KCNMA1 is on the minus strand). VCF-style: chr10-76949304-G-T. GRCh37 (hg19) VCF-style: chr10-78709062-G-T.
Other names: c.2382C>A, p.Asp794Glu (NM_001322836.2, NM_001271519.2, NM_001322829.2); c.2385C>A, p.Asp795Glu (NM_001322837.2, NM_001014797.3, NM_001322835.2); c.1920C>A, p.Asp640Glu (NM_001322838.2); c.2373C>A, p.Asp791Glu (NM_002247.4, NM_001322832.2); c.2496C>A, p.Asp832Glu (NM_001161353.2); c.2223C>A, p.Asp741Glu (NM_001271518.2); c.2394C>A, p.Asp798Glu (NM_001322830.2); c.2373C>A (NM_002247.3); short protein forms D640E, D741E, D791E, D794E, D795E, D798E, D832E, D849E.
Identifiers: ClinVar variation 1696557 (VCV001696557.8), dbSNP rs147369374, ClinGen allele CA5568041.
Genomic context (GRCh38, chr10:76,949,304, plus strand): 5'-AAAGTTGCTGGCACGGAGCGGCATCACCAGGTTCCGGAGGCCGATCAGGGCTGAGCTGAC[G>T]TCGCCAAAGATGCAGACCACGACATGGCCACTCAGGACGGTCATGGCAGCTTCACTTCGA-3'
Protein context (NP_001154824.1, residues 839-859): SGHVVVCIFG[Asp849Glu]VSSALIGLRN